The following is an entry in ClinVar:

NM_000091.5(COL4A3):c.4993T>A (p.Cys1665Ser)

Genes: COL4A3 (collagen type IV alpha 3 chain; plus strand), MFF-DT (MFF divergent transcript; minus strand). Cytogenetic location: 2q36.3.
Variant type: single nucleotide variant.
Coding change: c.4993T>A on transcript NM_000091.5 (MANE Select); coding-DNA position 4993, T replaced by A.
Protein change: p.Cys1665Ser; replaces cysteine 1665 with serine.
Molecular consequence: missense variant.
Genome position (GRCh38, 1-based): chr2:227,311,850, T>A. VCF-style: chr2-227311850-T-A. GRCh37 (hg19) VCF-style: chr2-228176566-T-A.
Other names: short protein forms C1665S.
Identifiers: ClinVar variation 1502877 (VCV001502877.8), dbSNP rs2106298115, ClinGen allele CA350866840.

ClinVar aggregate classification (germline): Likely pathogenic (1 of 4 stars; one submission).

Submission:

Labcorp Genetics (formerly Invitae), Labcorp
Classification: Likely pathogenic. Last evaluated: 2021-05-16. Review status: criteria provided, single submitter. Criteria: Invitae Variant Classification Sherloc (09022015). Collection method: clinical testing. Allele origin: germline.
Comment: This sequence change replaces cysteine with serine at codon 1665 of the COL4A3 protein (p.Cys1665Ser). The cysteine residue is highly conserved and there is a moderate physicochemical difference between cysteine and serine. This variant is not present in population databases (ExAC no frequency). This variant has been observed in individual(s) with autosomal recessive Alport syndrome (Invitae). Advanced modeling of protein sequence and biophysical properties (such as structural, functional, and spatial information, amino acid conservation, physicochemical variation, residue mobility, and thermodynamic stability) performed at Invitae indicates that this missense variant is expected to disrupt COL4A3 protein function. In summary, the currently available evidence indicates that the variant is pathogenic, but additional data are needed to prove that conclusively. Therefore, this variant has been classified as Likely Pathogenic. This variant disrupts the p.Cys1665 amino acid residue in COL4A3. Other variant(s) that disrupt this residue have been determined to be pathogenic (PMID: 24052634, Invitae). This suggests that this residue is clinically significant, and that variants that disrupt this residue are likely to be disease-causing. Algorithms developed to predict the effect of sequence changes on RNA splicing suggest that this variant may create or strengthen a splice site, but this prediction has not been confirmed by published transcriptional studies.

Literature cited by the submitters: PubMed 24052634.